The following is an entry in ClinVar:

ClinVar aggregate classification (germline): Uncertain significance (1 of 4 stars; one submission).

gnomAD v4.1: 3 of 1,589,470 alleles (0.00019%); highest among the groups gnomAD compares: Non-Finnish European, 0.00017%; no homozygotes.

Submission:

Dasa
Classification: Uncertain significance. Last evaluated: 2026-05-04. Review status: criteria provided, single submitter. Criteria: DASA Assertion Criteria. Collection method: clinical testing. Allele origin: germline.
Comment: NM_001318852.2(MAPK8IP3):c.2444C>G (p.Pro815Arg) is a missense variant that results in the substitution of proline with arginine. This variant is rare in population databases. Computational prediction algorithms are consistent with a deleterious effect. The currently available literature and clinical evidence are not sufficient to establish a definitive association between this variant and the reported condition. Therefore, this variant is classified as a variant of uncertain significance.

NM_001318852.2(MAPK8IP3):c.2444C>G (p.Pro815Arg)

Gene: MAPK8IP3 (mitogen-activated protein kinase 8 interacting protein 3; plus strand). Cytogenetic location: 16p13.3.
Variant type: single nucleotide variant.
Coding change: c.2444C>G on transcript NM_001318852.2 (MANE Select); coding-DNA position 2444, C replaced by G.
Protein change: p.Pro815Arg; replaces proline 815 with arginine.
Molecular consequence: missense variant.
Genome position (GRCh38, 1-based): chr16:1,765,176, C>G. VCF-style: chr16-1765176-C-G. GRCh37 (hg19) VCF-style: chr16-1815177-C-G.
Other names: c.2423C>G, p.Pro808Arg (NM_001040439.2); c.2441C>G, p.Pro814Arg (NM_015133.5); short protein forms P808R, P814R, P815R.
Identifiers: ClinVar variation 5020628 (VCV005020628.1).